The following is an entry in ClinVar:

ClinVar aggregate classification (germline): Pathogenic/Likely pathogenic. Review status: criteria provided, multiple submitters, no conflicts (2 of 4 stars). 2 submissions from 2 submitters: Pathogenic (1); Likely pathogenic (1). Last evaluated 2023-09-30.

Conditions:
Retinitis pigmentosa 26 (RP26). Identifiers: Orphanet 791, MedGen C1842127, MONDO:0012024, OMIM 608380.

Submissions (2):

Baylor Genetics
Classification: Likely pathogenic for Retinitis pigmentosa 26. Last evaluated: 2023-09-30. Review status: criteria provided, single submitter. Criteria: ACMG Guidelines, 2015. Collection method: clinical testing. Allele origin: unknown.

Labcorp Genetics (formerly Invitae), Labcorp
Classification: Pathogenic. Last evaluated: 2023-06-16. Review status: criteria provided, single submitter. Criteria: Invitae Variant Classification Sherloc (09022015). Collection method: clinical testing. Allele origin: germline.
Comment: This variant has not been reported in the literature in individuals affected with CERKL-related conditions. For these reasons, this variant has been classified as Pathogenic. Algorithms developed to predict the effect of sequence changes on RNA splicing suggest that this variant may create or strengthen a splice site. ClinVar contains an entry for this variant (Variation ID: 1442655). This variant is not present in population databases (gnomAD no frequency). This sequence change creates a premature translational stop signal (p.Tyr490*) in the CERKL gene. It is expected to result in an absent or disrupted protein product. Loss-of-function variants in CERKL are known to be pathogenic (PMID: 14681825, 23591405, 24043777).

Literature cited by the submitters: PubMed 14681825 (cited by Labcorp Genetics (formerly Invitae), Labcorp); PubMed 23591405 (cited by Labcorp Genetics (formerly Invitae), Labcorp); PubMed 24043777 (cited by Labcorp Genetics (formerly Invitae), Labcorp).

NM_201548.5(CERKL):c.1392C>G (p.Tyr464Ter)

Gene: CERKL (CERK like autophagy regulator; minus strand). Cytogenetic location: 2q31.3.
Variant type: single nucleotide variant.
Coding change: c.1392C>G on transcript NM_201548.5 (MANE Select); coding-DNA position 1392, C replaced by G.
Protein change: p.Tyr464Ter; replaces tyrosine 464 with a stop codon.
Molecular consequence: nonsense. On other transcripts: non-coding transcript variant (2).
Genome position (GRCh38, 1-based): chr2:181,539,238, G>C on the plus strand (C>G on the coding strand, the complement: CERKL is on the minus strand). VCF-style: chr2-181539238-G-C. GRCh37 (hg19) VCF-style: chr2-182403965-G-C.
Other names: c.1470C>G, p.Tyr490Ter (NM_001030311.3); c.1053C>G, p.Tyr351Ter (NM_001030312.3); c.1185C>G, p.Tyr395Ter (NM_001030313.3); c.1338C>G, p.Tyr446Ter (NM_001160277.2); short protein forms Y351*, Y464*, Y395*, Y446*, Y490*.
Identifiers: ClinVar variation 1442655 (VCV001442655.7), dbSNP rs1241374922, ClinGen allele CA349733441.